The following is an entry in ClinVar:

NM_000455.5(STK11):c.631C>A (p.Arg211=)

Gene: STK11 (serine/threonine kinase 11; plus strand). Cytogenetic location: 19p13.3.
Variant type: single nucleotide variant.
Coding change: c.631C>A on transcript NM_000455.5 (MANE Select); coding-DNA position 631, C replaced by A.
Protein change: p.Arg211=; no amino-acid change (arginine 211 retained).
Molecular consequence: synonymous variant.
Genome position (GRCh38, 1-based): chr19:1,220,614, C>A. VCF-style: chr19-1220614-C-A. GRCh37 (hg19) VCF-style: chr19-1220613-C-A.
Identifiers: ClinVar variation 939600 (VCV000939600.10), dbSNP rs185087320, ClinGen allele CA504892375.

ClinVar aggregate classification (germline): Uncertain significance. Review status: criteria provided, multiple submitters, no conflicts (2 of 4 stars). 2 submissions from 2 submitters: Uncertain significance (2). Last evaluated 2024-09-23.

Conditions:
Peutz-Jeghers syndrome (PJS). Also called: POLYPOSIS, HAMARTOMATOUS INTESTINAL; POLYPS-AND-SPOTS SYNDROME; Peutz-Jeghers polyposis; Periorificial lentiginosis syndrome. Identifiers: Orphanet 2869, MedGen C0031269, MeSH D010580, MONDO:0008280, OMIM 175200.
Hereditary cancer-predisposing syndrome. Also called: Tumor predisposition; Hereditary neoplastic syndrome; Neoplastic Syndromes, Hereditary; Hereditary Cancer Syndrome. Identifiers: Orphanet 140162, MedGen C0027672, MeSH D009386, MONDO:0015356.

Submissions (2):

Color Diagnostics, LLC DBA Color Health
Classification: Uncertain significance for Hereditary cancer-predisposing syndrome. Last evaluated: 2024-09-23. Review status: criteria provided, single submitter. Criteria: ACMG Guidelines, 2015. Collection method: clinical testing. Allele origin: germline.
Comment: This variant is a synonymous variant located at codon 211 in the STK11 gene. Splice site prediction tools suggest that this variant may impact RNA splicing. To our knowledge, RNA studies have not been reported for this variant. This variant has not been reported in individuals affected with STK11-related disorders in the literature. This variant has not been identified in the general population by the Genome Aggregation Database (gnomAD). The available evidence is insufficient to determine the role of this variant in disease conclusively. Therefore, this variant is classified as a Variant of Uncertain Significance.

Labcorp Genetics (formerly Invitae), Labcorp
Classification: Uncertain significance for Peutz-Jeghers syndrome. Last evaluated: 2022-09-23. Review status: criteria provided, single submitter. Criteria: Invitae Variant Classification Sherloc (09022015). Collection method: clinical testing. Allele origin: germline.
Comment: In summary, the available evidence is currently insufficient to determine the role of this variant in disease. Therefore, it has been classified as a Variant of Uncertain Significance. This sequence change affects codon 211 of the STK11 mRNA. It is a 'silent' change, meaning that it does not change the encoded amino acid sequence of the STK11 protein. This variant is not present in population databases (gnomAD no frequency). This variant has not been reported in the literature in individuals affected with STK11-related conditions. ClinVar contains an entry for this variant (Variation ID: 939600). Algorithms developed to predict the effect of sequence changes on RNA splicing suggest that this variant may create or strengthen a splice site.